The following is an entry in ClinVar:

ClinVar aggregate classification (germline): Uncertain significance (1 of 4 stars; one submission).

Conditions:
Hereditary nonpolyposis colorectal neoplasms. Identifiers: MedGen C0009405, MeSH D003123.

Submission:

Labcorp Genetics (formerly Invitae), Labcorp
Classification: Uncertain significance for Hereditary nonpolyposis colorectal neoplasms. Last evaluated: 2021-08-07. Review status: criteria provided, single submitter. Criteria: Invitae Variant Classification Sherloc (09022015). Collection method: clinical testing. Allele origin: germline.
Comment: This variant is not present in population databases (ExAC no frequency). In summary, the available evidence is currently insufficient to determine the role of this variant in disease. Therefore, it has been classified as a Variant of Uncertain Significance. Advanced modeling of protein sequence and biophysical properties (such as structural, functional, and spatial information, amino acid conservation, physicochemical variation, residue mobility, and thermodynamic stability) performed at Invitae indicates that this missense variant is not expected to disrupt PMS2 protein function. This variant has not been reported in the literature in individuals affected with PMS2-related conditions. This sequence change replaces lysine with isoleucine at codon 142 of the PMS2 protein (p.Lys142Ile). The lysine residue is moderately conserved and there is a moderate physicochemical difference between lysine and isoleucine.

NM_000535.7(PMS2):c.425A>T (p.Lys142Ile)

Gene: PMS2 (PMS1 homolog 2, mismatch repair system component; minus strand). Cytogenetic location: 7p22.1.
Variant type: single nucleotide variant.
Coding change: c.425A>T on transcript NM_000535.7 (MANE Select); coding-DNA position 425, A replaced by T.
Protein change: p.Lys142Ile; replaces lysine 142 with isoleucine.
Molecular consequence: missense variant. On other transcripts: 5 prime UTR variant (2), non-coding transcript variant (1).
Genome position (GRCh38, 1-based): chr7:6,002,565, T>A on the plus strand (A>T on the coding strand, the complement: PMS2 is on the minus strand). VCF-style: chr7-6002565-T-A. GRCh37 (hg19) VCF-style: chr7-6042196-T-A.
Other names: c.20A>T, p.Lys7Ile (NM_001322003.2, NM_001322004.2, NM_001322005.2 and 3 more transcripts); c.425A>T, p.Lys142Ile (NM_001322006.2, NM_001322014.2); c.107A>T, p.Lys36Ile (NM_001322007.2, NM_001322008.2); c.-460A>T (NM_001322011.2, NM_001322012.2); c.116A>T, p.Lys39Ile (NM_001322015.2); short protein forms K142I, K36I, K39I, K7I.
Identifiers: ClinVar variation 1450562 (VCV001450562.6), dbSNP rs2128818151, ClinGen allele CA366744375.